The following is an entry in ClinVar:

NM_001846.4(COL4A2):c.3652G>T (p.Asp1218Tyr)

Gene: COL4A2 (collagen type IV alpha 2 chain; plus strand). Cytogenetic location: 13q34.
Variant type: single nucleotide variant.
Coding change: c.3652G>T on transcript NM_001846.4 (MANE Select); coding-DNA position 3652, G replaced by T.
Protein change: p.Asp1218Tyr; replaces aspartic acid 1218 with tyrosine.
Molecular consequence: missense variant.
Genome position (GRCh38, 1-based): chr13:110,495,359, G>T. VCF-style: chr13-110495359-G-T. GRCh37 (hg19) VCF-style: chr13-111147706-G-T.
Other names: short protein forms D1218Y.
Identifiers: ClinVar variation 3343733 (VCV003343733.2).
Genomic context (GRCh38, chr13:110,495,359, plus strand): 5'-GTTGGAAACACCGACATCAGCTGCTGTTATAACTCTTCCACAGGTTCTGACATCCACGGA[G>T]ACCCAGGCTTCCCAGGCCCTCCTGGGGAAAGAGGTGACCCAGGAGAGGCCAACACCCTTC-3'
Protein context (NP_001837.2, residues 1208-1228): PGSPGSDIHG[Asp1218Tyr]PGFPGPPGER

ClinVar aggregate classification (germline): Uncertain significance. Review status: criteria provided, multiple submitters, no conflicts (2 of 4 stars). 2 submissions from 2 submitters: Uncertain significance (2). Last evaluated 2025-05-22.

Conditions:
Inborn genetic diseases. Identifiers: MedGen C0950123, MeSH D030342.

gnomAD v4.1: 7 of 1,614,126 alleles (0.00043%); highest among the groups gnomAD compares: Non-Finnish European, 0.00034%; no homozygotes.

Submissions (2):

Ambry Genetics
Classification: Uncertain significance for Inborn genetic diseases. Last evaluated: 2025-05-22. Review status: criteria provided, single submitter. Criteria: Ambry Variant Classification Scheme 2023. Collection method: clinical testing. Allele origin: germline.

GeneDx
Classification: Uncertain significance. Last evaluated: 2023-05-21. Review status: criteria provided, single submitter. Criteria: GeneDx Variant Classification Process June 2021. Collection method: clinical testing. Allele origin: germline. Affected: yes.
Comment: Not observed at significant frequency in large population cohorts (gnomAD); In silico analysis supports that this missense variant does not alter protein structure/function; Has not been previously published as pathogenic or benign to our knowledge